The following is an entry in ClinVar:

NM_003322.6(TULP1):c.1289C>T (p.Ala430Val)

Gene: TULP1 (TUB like protein 1; minus strand). Cytogenetic location: 6p21.31.
Variant type: single nucleotide variant.
Coding change: c.1289C>T on transcript NM_003322.6 (MANE Select); coding-DNA position 1289, C replaced by T.
Protein change: p.Ala430Val; replaces alanine 430 with valine.
Molecular consequence: missense variant.
Genome position (GRCh38, 1-based): chr6:35,503,593, G>A on the plus strand (C>T on the coding strand, the complement: TULP1 is on the minus strand). VCF-style: chr6-35503593-G-A. GRCh37 (hg19) VCF-style: chr6-35471370-G-A.
Other names: c.1130C>T, p.Ala377Val (NM_001289395.2); c.1289C>T (NM_003322.5); short protein forms A377V, A430V.
Identifiers: ClinVar variation 1414644 (VCV001414644.10), dbSNP rs1032495895, ClinGen allele CA137281002.

ClinVar aggregate classification (germline): Uncertain significance. Review status: criteria provided, multiple submitters, no conflicts (2 of 4 stars). 4 submissions from 4 submitters: Uncertain significance (4). Last evaluated 2024-11-12.

Conditions:
TULP1-related disorder. Also called: TULP1-related condition; TULP1-related disorders.

Allele frequency attached by ClinVar (database versions not stated): gnomAD 0.00001 and 0.00002; TOPMed 0.00001.

Submissions (4):

PreventionGenetics, part of Exact Sciences
Classification: Uncertain significance for TULP1-related condition. Last evaluated: 2024-11-12. Review status: criteria provided, single submitter. Criteria: ACMG Guidelines, 2015. Collection method: clinical testing. Allele origin: germline.
Comment: The TULP1 c.1289C>T variant is predicted to result in the amino acid substitution p.Ala430Val. To our knowledge, this variant has not been reported in the literature. This variant is reported in 0.0028% of alleles in individuals of European (Non-Finnish) descent in gnomAD. At this time, the clinical significance of this variant is uncertain due to the absence of conclusive functional and genetic evidence.

Labcorp Genetics (formerly Invitae), Labcorp
Classification: Uncertain significance. Last evaluated: 2023-11-13. Review status: criteria provided, single submitter. Criteria: Invitae Variant Classification Sherloc (09022015). Collection method: clinical testing. Allele origin: germline.
Comment: This sequence change replaces alanine with valine at codon 430 of the TULP1 protein (p.Ala430Val). The alanine residue is weakly conserved and there is a small physicochemical difference between alanine and valine. The frequency data for this variant in the population databases is considered unreliable, as metrics indicate poor data quality at this position in the gnomAD database. This variant has not been reported in the literature in individuals affected with TULP1-related conditions. ClinVar contains an entry for this variant (Variation ID: 1414644). Advanced modeling of protein sequence and biophysical properties (such as structural, functional, and spatial information, amino acid conservation, physicochemical variation, residue mobility, and thermodynamic stability) performed at Invitae indicates that this missense variant is not expected to disrupt TULP1 protein function with a negative predictive value of 95%. In summary, the available evidence is currently insufficient to determine the role of this variant in disease. Therefore, it has been classified as a Variant of Uncertain Significance.

Blueprint Genetics
Classification: Uncertain significance. Last evaluated: 2022-04-21. Review status: criteria provided, single submitter. Criteria: ACMG Guidelines, 2015. Collection method: clinical testing. Allele origin: germline.

Breakthrough Genomics
Classification: Uncertain significance. Review status: criteria provided, single submitter. Criteria: ACMG Guidelines, 2015. Collection method: not provided. Allele origin: germline. Inheritance: Autosomal recessive inheritance. Affected: yes.